The following is an entry in ClinVar:

ClinVar aggregate classification (germline): Uncertain significance (1 of 4 stars; one submission).

Allele frequency attached by ClinVar (database versions not stated): gnomAD 0.00009; TOPMed 0.00020; gnomAD exomes 0.00033 and 0.00077; ExAC 0.00072.
gnomAD v4.1: 212 of 1,613,896 alleles (0.013%); highest among the groups gnomAD compares: Admixed American, 0.35%; 3 homozygotes.

Submission:

GeneDx
Classification: Uncertain significance. Last evaluated: 2021-05-24. Review status: criteria provided, single submitter. Criteria: GeneDx Variant Classification Process June 2021. Collection method: clinical testing. Allele origin: germline. Affected: yes.
Comment: In silico analysis supports that this missense variant has a deleterious effect on protein structure/function; Reported in family-specific linkage studies with childhood obesity in published literature, but additional information was not available (Bowden et al., 2010; Sabo et al., 2017); This variant is associated with the following publications: (PMID: 23102667, 28508493, 20688759, 26306152)

NM_004797.4(ADIPOQ):c.133G>C (p.Gly45Arg)

Genes: ADIPOQ (adiponectin, C1Q and collagen domain containing; plus strand), ADIPOQ-AS1 (ADIPOQ antisense RNA 1; minus strand). Cytogenetic location: 3q27.3.
Variant type: single nucleotide variant.
Coding change: c.133G>C on transcript NM_004797.4 (MANE Select); coding-DNA position 133, G replaced by C.
Protein change: p.Gly45Arg; replaces glycine 45 with arginine.
Molecular consequence: missense variant. On other transcripts: non-coding transcript variant (1).
Genome position (GRCh38, 1-based): chr3:186,853,191, G>C. VCF-style: chr3-186853191-G-C. GRCh37 (hg19) VCF-style: chr3-186570980-G-C.
Other names: c.133G>C, p.Gly45Arg (NM_001177800.2); short protein forms G45R.
Identifiers: ClinVar variation 1189919 (VCV001189919.2), dbSNP rs200573126, ClinGen allele CA2747911.